The following is an entry in ClinVar:

NM_015378.4(VPS13D):c.3043G>T (p.Asp1015Tyr)

Gene: VPS13D (vacuolar protein sorting 13 homolog D; plus strand). Cytogenetic location: 1p36.22.
Variant type: single nucleotide variant.
Coding change: c.3043G>T on transcript NM_015378.4 (MANE Select); coding-DNA position 3043, G replaced by T.
Protein change: p.Asp1015Tyr; replaces aspartic acid 1015 with tyrosine.
Molecular consequence: missense variant.
Genome position (GRCh38, 1-based): chr1:12,276,631, G>T. VCF-style: chr1-12276631-G-T. GRCh37 (hg19) VCF-style: chr1-12336688-G-T.
Other names: c.3043G>T, p.Asp1015Tyr (NM_018156.4); short protein forms D1015Y.
Identifiers: ClinVar variation 2780486 (VCV002780486.3), dbSNP rs2524022003, ClinGen allele CA338473191.
Genomic context (GRCh38, chr1:12,276,631, plus strand): 5'-GAAGTCTCCCTAACTGTTCATGGTTTGCTCCTGGTGGATACCATGCAGACATATGGTGCT[G>T]ATTTTGACCTTTTGATGGCTTCACATAAGAACTTGAGCTTTGATATTCCAACGGGAAGCC-3'
Protein context (NP_056193.2, residues 1005-1025): LVDTMQTYGA[Asp1015Tyr]FDLLMASHKN

ClinVar aggregate classification (germline): Uncertain significance (1 of 4 stars; one submission).

gnomAD v4.1: 1 of 1,614,172 alleles (0.000062%); highest among the groups gnomAD compares: Non-Finnish European, 0.000085%; no homozygotes.

Submission:

Labcorp Genetics (formerly Invitae), Labcorp
Classification: Uncertain significance. Last evaluated: 2024-10-29. Review status: criteria provided, single submitter. Criteria: Invitae Variant Classification Sherloc (09022015). Collection method: clinical testing. Allele origin: germline.
Comment: This sequence change replaces aspartic acid, which is acidic and polar, with tyrosine, which is neutral and polar, at codon 1015 of the VPS13D protein (p.Asp1015Tyr). This variant is not present in population databases (gnomAD no frequency). This variant has not been reported in the literature in individuals affected with VPS13D-related conditions. ClinVar contains an entry for this variant (Variation ID: 2780486). Invitae Evidence Modeling of protein sequence and biophysical properties (such as structural, functional, and spatial information, amino acid conservation, physicochemical variation, residue mobility, and thermodynamic stability) indicates that this missense variant is expected to disrupt VPS13D protein function with a positive predictive value of 80%. In summary, the available evidence is currently insufficient to determine the role of this variant in disease. Therefore, it has been classified as a Variant of Uncertain Significance.